The following is an entry in ClinVar:

ClinVar aggregate classification (germline): Likely pathogenic (1 of 4 stars; one submission).

Conditions:
Lowe syndrome (OCRL). Also called: LOWE OCULOCEREBRORENAL SYNDROME; PHOSPHATIDYLINOSITOL 4,5-BISPHOSPHATE 5-PHOSPHATASE DEFICIENCY; Oculocerebrorenal Syndrome. Identifiers: Orphanet 534, MedGen C0028860, MONDO:0010645, OMIM 309000.

Submission:

Foundation for Research in Genetics and Endocrinology, FRIGE's Institute of Human Genetics
Classification: Likely pathogenic for Lowe syndrome. Last evaluated: 2023-02-10. Review status: criteria provided, single submitter. Criteria: ACMG Guidelines, 2015. Collection method: clinical testing. Allele origin: germline. Inheritance: X-linked recessive inheritance. Affected: yes. Observed: 1 hemizygote.
Comment: A Hemizygous nonsense variation in exon 11 of the OCRL gene that results in the premature termination at codon 329 was detected. The observed variant c.985A>T (p.Arg329Ter) has not been reported in the 1000 genomes and gnomAD databases. The in silico prediction of the variant are possibly damaging by LRT, MutationTaster2 and CADD. The reference codon is conserved across species. In summary, the variant meets our criteria to be classified as likely pathogenic. .

NM_000276.4(OCRL):c.985A>T (p.Arg329Ter)

Gene: OCRL (OCRL inositol polyphosphate-5-phosphatase; plus strand). Cytogenetic location: Xq26.1.
Variant type: single nucleotide variant.
Coding change: c.985A>T on transcript NM_000276.4 (MANE Select); coding-DNA position 985, A replaced by T.
Protein change: p.Arg329Ter; replaces arginine 329 with a stop codon.
Molecular consequence: nonsense.
Genome position (GRCh38, 1-based): chrX:129,562,429, A>T. VCF-style: chrX-129562429-A-T. GRCh37 (hg19) VCF-style: chrX-128696406-A-T.
Other names: p.Arg329Ter; c.988A>T, p.Arg330Ter (NM_001318784.2); c.985A>T, p.Arg329Ter (NM_001587.4); short protein forms R329*, R330*.
Identifiers: ClinVar variation 2443312 (VCV002443312.3), dbSNP rs2521889054, ClinGen allele CA414552545.
Genomic context (GRCh38, chrX:129,562,429, plus strand): 5'-CCCCGGAACTCATAGGTTCAACTGGTGCGCCTTGTTGGGATGATGCTTCTTATATTTGCC[A>T]GAAAGGATCAGTGTCGATACATTCGTGATATTGCTACAGAAACAGTTGGAACTGGAATCA-3'